The following is an entry in ClinVar:

ClinVar aggregate classification (germline): Uncertain significance (1 of 4 stars; one submission).

Submission:

GeneDx
Classification: Uncertain significance. Last evaluated: 2026-04-23. Review status: criteria provided, single submitter. Criteria: GeneDx Variant Classification Process June 2021. Collection method: clinical testing. Allele origin: germline.
Comment: Not observed at significant frequency in large population cohorts (gnomAD); In silico analysis supports that this missense variant has a deleterious effect on protein structure/function; Has not been previously published as pathogenic or benign to our knowledge

NM_006035.4(CDC42BPB):c.3820C>G (p.Arg1274Gly)

Gene: CDC42BPB (CDC42 binding protein kinase beta; minus strand). Cytogenetic location: 14q32.32.
Variant type: single nucleotide variant.
Coding change: c.3820C>G on transcript NM_006035.4 (MANE Select); coding-DNA position 3820, C replaced by G.
Protein change: p.Arg1274Gly; replaces arginine 1274 with glycine.
Molecular consequence: missense variant.
Genome position (GRCh38, 1-based): chr14:102,944,479, G>C on the plus strand (C>G on the coding strand, the complement: CDC42BPB is on the minus strand). VCF-style: chr14-102944479-G-C. GRCh37 (hg19) VCF-style: chr14-103410816-G-C.
Other names: c.3742C>G, p.Arg1248Gly (NM_001411054.1); short protein forms R1248G, R1274G.
Identifiers: ClinVar variation 5037613 (VCV005037613.1).